The following is an entry in ClinVar:

NM_001348716.2(KDM6B):c.1359C>T (p.Pro453=)

Gene: KDM6B (lysine demethylase 6B; plus strand). Cytogenetic location: 17p13.1.
Variant type: single nucleotide variant.
Coding change: c.1359C>T on transcript NM_001348716.2 (MANE Select); coding-DNA position 1359, C replaced by T.
Protein change: p.Pro453=; no amino-acid change (proline 453 retained).
Molecular consequence: synonymous variant.
Genome position (GRCh38, 1-based): chr17:7,847,647, C>T. VCF-style: chr17-7847647-C-T. GRCh37 (hg19) VCF-style: chr17-7750965-C-T.
Other names: c.1359C>T, p.Pro453= (NM_001080424.2).
Identifiers: ClinVar variation 3898285 (VCV003898285.7).

ClinVar aggregate classification (germline): Likely benign (1 of 4 stars; one submission).

gnomAD v4.1: 258 of 1,610,616 alleles (0.016%); highest among the groups gnomAD compares: South Asian, 0.12%; no homozygotes.

Submission:

CeGaT Center for Human Genetics Tuebingen
Classification: Likely benign. Last evaluated: 2025-09-01. Review status: criteria provided, single submitter. Criteria: CeGaT Center For Human Genetics Tuebingen Variant Classification Criteria Version 2. Collection method: clinical testing. Allele origin: germline. Affected: yes. Observed: 2 variant alleles.
Comment: KDM6B: BP4, BP7, BS1